The following is an entry in ClinVar:

NM_001243177.4(ALDOA):c.99C>G (p.His33Gln)

Genes: ALDOA (aldolase, fructose-bisphosphate A; plus strand), LOC112694756 (uncharaterized LOC112694756; plus strand). Cytogenetic location: 16p11.2.
Variant type: single nucleotide variant.
Coding change: c.99C>G on transcript NM_001243177.4 (MANE Select); coding-DNA position 99, C replaced by G.
Protein change: p.His33Gln; replaces histidine 33 with glutamine.
Molecular consequence: missense variant. On other transcripts: intron variant (6).
Genome position (GRCh38, 1-based): chr16:30,066,996, C>G. VCF-style: chr16-30066996-C-G. GRCh37 (hg19) VCF-style: chr16-30078317-C-G.
Other names: c.*489-238C>G (NM_001365307.2, NM_001365305.2, NM_001365304.2); c.-21-238C>G (NM_184043.2, NM_001127617.2, NM_184041.5); short protein forms H33Q.
Identifiers: ClinVar variation 1690653 (VCV001690653.2), dbSNP rs764462408, ClinGen allele CA395484546.

ClinVar aggregate classification (germline): Uncertain significance (1 of 4 stars; one submission).

Submission:

Laboratorio de Genetica e Diagnostico Molecular, Hospital Israelita Albert Einstein
Classification: Uncertain significance. Last evaluated: 2019-06-19. Review status: criteria provided, single submitter. Criteria: ACMG Guidelines, 2015. Collection method: clinical testing. Allele origin: germline. Affected: yes.
Comment: ACMG classification criteria: PM2, PP3